The following is an entry in ClinVar:

ClinVar aggregate classification (germline): Likely benign (0 of 4 stars; one submission).

Conditions:
CFTR-related disorder (CFTR-RD). Also called: CFTR-related disorders; CFTR-related condition. Identifiers: MedGen C5924204, MONDO:7770004.

Submission:

PreventionGenetics, part of Exact Sciences
Classification: Likely benign for CFTR-related condition. Last evaluated: 2024-04-12. Review status: no assertion criteria provided. Collection method: clinical testing. Allele origin: germline.
Comment: This variant is classified as likely benign based on ACMG/AMP sequence variant interpretation guidelines (Richards et al. 2015 PMID: 25741868, with internal and published modifications).

NM_000492.4(CFTR):c.3469-304A>G

Genes: CFTR (CF transmembrane conductance regulator; plus strand), CFTR-AS2 (CFTR antisense RNA 2; minus strand). Cytogenetic location: 7q31.2.
Variant type: single nucleotide variant.
Coding change: c.3469-304A>G on transcript NM_000492.4 (MANE Select); 304 bases into the intron before coding-DNA position 3469, A replaced by G.
Molecular consequence: intron variant.
Genome position (GRCh38, 1-based): chr7:117,627,218, A>G. VCF-style: chr7-117627218-A-G. GRCh37 (hg19) VCF-style: chr7-117267272-A-G.
Identifiers: ClinVar variation 3344127 (VCV003344127.1).